The following is an entry in ClinVar:

ClinVar aggregate classification (germline): Uncertain significance. Review status: criteria provided, multiple submitters, no conflicts (2 of 4 stars). 3 submissions from 3 submitters: Uncertain significance (3). Last evaluated 2023-03-01.

Conditions:
Dyskeratosis congenita, autosomal recessive 5 (DKCB5). Identifiers: MedGen C3554656, MONDO:0014076, OMIM 615190.
Pulmonary fibrosis and/or bone marrow failure, Telomere-related, 3. Also called: PULMONARY FIBROSIS AND/OR BONE MARROW FAILURE SYNDROME, TELOMERE-RELATED, 3. Identifiers: Orphanet 2032, MedGen C4225346, MONDO:0014613, OMIM 616373.
Inborn genetic diseases. Identifiers: MedGen C0950123, MeSH D030342.

Allele frequency attached by ClinVar (database versions not stated): TOPMed 0.00002.
gnomAD v4.1: 2 of 1,611,752 alleles (0.00012%); highest among the groups gnomAD compares: African/African-American, 0.0027%; no homozygotes.

Submissions (3):

Ambry Genetics
Classification: Uncertain significance for Inborn genetic diseases. Last evaluated: 2023-03-01. Review status: criteria provided, single submitter. Criteria: Ambry Variant Classification Scheme 2023. Collection method: clinical testing. Allele origin: germline.

Labcorp Genetics (formerly Invitae), Labcorp
Classification: Uncertain significance for Dyskeratosis congenita, autosomal recessive 5; Pulmonary fibrosis and/or bone marrow failure, Telomere-related, 3. Last evaluated: 2022-05-08. Review status: criteria provided, single submitter. Criteria: Invitae Variant Classification Sherloc (09022015). Collection method: clinical testing. Allele origin: germline.
Comment: This sequence change replaces valine, which is neutral and non-polar, with methionine, which is neutral and non-polar, at codon 423 of the RTEL1 protein (p.Val423Met). This variant is not present in population databases (gnomAD no frequency). This variant has not been reported in the literature in individuals affected with RTEL1-related conditions. Algorithms developed to predict the effect of missense changes on protein structure and function are either unavailable or do not agree on the potential impact of this missense change (SIFT: "Deleterious"; PolyPhen-2: "Probably Damaging"; Align-GVGD: "Class C0"). In summary, the available evidence is currently insufficient to determine the role of this variant in disease. Therefore, it has been classified as a Variant of Uncertain Significance.

Blueprint Genetics
Classification: Uncertain significance. Last evaluated: 2022-03-30. Review status: criteria provided, single submitter. Criteria: ACMG Guidelines, 2015. Collection method: clinical testing. Allele origin: germline.

NM_001283009.2(RTEL1):c.1267G>A (p.Val423Met)

Genes: RTEL1 (regulator of telomere elongation helicase 1; plus strand), RTEL1-TNFRSF6B (RTEL1-TNFRSF6B readthrough (NMD candidate); plus strand). Cytogenetic location: 20q13.33.
Variant type: single nucleotide variant.
Coding change: c.1267G>A on transcript NM_001283009.2 (MANE Select); coding-DNA position 1267, G replaced by A.
Protein change: p.Val423Met; replaces valine 423 with methionine.
Molecular consequence: missense variant. On other transcripts: non-coding transcript variant (1).
Genome position (GRCh38, 1-based): chr20:63,685,791, G>A. VCF-style: chr20-63685791-G-A. GRCh37 (hg19) VCF-style: chr20-62317144-G-A.
Other names: c.598G>A, p.Val200Met (NM_001283010.1); c.1267G>A, p.Val423Met (NM_016434.4); c.1339G>A, p.Val447Met (NM_032957.5); c.1339G>A (NM_032957.4); short protein forms V200M, V447M, V423M.
Identifiers: ClinVar variation 2178894 (VCV002178894.4), dbSNP rs921537443, ClinGen allele CA317505894.